The following is an entry in ClinVar:

NM_001371928.1(AHDC1):c.3813G>A (p.Pro1271=)

Gene: AHDC1 (AT-hook DNA binding motif containing 1; minus strand). Cytogenetic location: 1p36.11.
Variant type: single nucleotide variant.
Coding change: c.3813G>A on transcript NM_001371928.1 (MANE Select); coding-DNA position 3813, G replaced by A.
Protein change: p.Pro1271=; no amino-acid change (proline 1271 retained).
Molecular consequence: synonymous variant.
Genome position (GRCh38, 1-based): chr1:27,548,303, C>T on the plus strand (G>A on the coding strand, the complement: AHDC1 is on the minus strand). VCF-style: chr1-27548303-C-T. GRCh37 (hg19) VCF-style: chr1-27874814-C-T.
Other names: c.3813G>A, p.Pro1271= (NM_001029882.3).
Identifiers: ClinVar variation 1189438 (VCV001189438.12), dbSNP rs376593773, ClinGen allele CA715486.

ClinVar aggregate classification (germline): Likely benign. Review status: criteria provided, multiple submitters, no conflicts (2 of 4 stars). 3 submissions from 3 submitters: Likely benign (2). 1 of the submissions does not count toward it. Last evaluated 2026-01-05.

Conditions:
AHDC1-related disorder. Also called: AHDC1-related condition.

Allele frequency attached by ClinVar (database versions not stated): ExAC 0.00009; TOPMed 0.00010; gnomAD 0.00011; gnomAD exomes 0.00011; ESP Exome Variant Server 0.00015.
gnomAD v4.1: 210 of 1,606,174 alleles (0.013%); highest among the groups gnomAD compares: African/African-American, 0.017%; no homozygotes.

Submissions (3):

Labcorp Genetics (formerly Invitae), Labcorp
Classification: Likely benign. Last evaluated: 2026-01-05. Review status: criteria provided, single submitter. Criteria: Invitae Variant Classification Sherloc (09022015). Collection method: clinical testing. Allele origin: germline.

GeneDx
Classification: Likely benign. Last evaluated: 2021-04-30. Review status: criteria provided, single submitter. Criteria: GeneDx Variant Classification Process June 2021. Collection method: clinical testing. Allele origin: germline. Affected: yes.

PreventionGenetics, part of Exact Sciences
Classification: Likely benign for AHDC1-related condition. Last evaluated: 2021-02-23. Review status: no assertion criteria provided. Collection method: clinical testing. Allele origin: germline. Not counted in ClinVar's aggregate classification.
Comment: This variant is classified as likely benign based on ACMG/AMP sequence variant interpretation guidelines (Richards et al. 2015 PMID: 25741868, with internal and published modifications).